The following is an entry in ClinVar:

ClinVar aggregate classification (germline): Uncertain significance (1 of 4 stars; one submission).

Allele frequency attached by ClinVar (database versions not stated): gnomAD exomes 0.00001; ExAC 0.00002.
gnomAD v4.1: 4 of 1,614,214 alleles (0.00025%); highest among the groups gnomAD compares: Non-Finnish European, 0.00034%; no homozygotes.

Submission:

Labcorp Genetics (formerly Invitae), Labcorp
Classification: Uncertain significance. Last evaluated: 2021-05-07. Review status: criteria provided, single submitter. Criteria: Invitae Variant Classification Sherloc (09022015). Collection method: clinical testing. Allele origin: germline.
Comment: In summary, the available evidence is currently insufficient to determine the role of this variant in disease. Therefore, it has been classified as a Variant of Uncertain Significance. Algorithms developed to predict the effect of missense changes on protein structure and function are either unavailable or do not agree on the potential impact of this missense change (SIFT: "Deleterious"; PolyPhen-2: "Benign"; Align-GVGD: "Class C0"). This variant has not been reported in the literature in individuals with WDR62-related conditions. This variant is present in population databases (rs750215007, ExAC 0.003%). This sequence change replaces serine with cysteine at codon 229 of the WDR62 protein (p.Ser229Cys). The serine residue is moderately conserved and there is a moderate physicochemical difference between serine and cysteine.

NM_001083961.2(WDR62):c.686C>G (p.Ser229Cys)

Gene: WDR62 (WD repeat domain 62; plus strand). Cytogenetic location: 19q13.12.
Variant type: single nucleotide variant.
Coding change: c.686C>G on transcript NM_001083961.2 (MANE Select); coding-DNA position 686, C replaced by G.
Protein change: p.Ser229Cys; replaces serine 229 with cysteine.
Molecular consequence: missense variant.
Genome position (GRCh38, 1-based): chr19:36,067,430, C>G. VCF-style: chr19-36067430-C-G. GRCh37 (hg19) VCF-style: chr19-36558332-C-G.
Other names: c.686C>G, p.Ser229Cys (NM_173636.5); short protein forms S229C.
Identifiers: ClinVar variation 1369789 (VCV001369789.8), dbSNP rs750215007, ClinGen allele CA9395348.
Genomic context (GRCh38, chr19:36,067,430, plus strand): 5'-ACAGCAGCTATTTTGTCACTGTTGGGAACCGCCATGTGAGGTTCTGGTTCTTGGAAGTCT[C>G]CACTGAGACAAAGGTGAGTTTCTGTCCCTGCCCCTTTAGCCAGGCCCTGAGGGAGTCACC-3'
Protein context (NP_001077430.1, residues 219-239): RHVRFWFLEV[Ser229Cys]TETKVTSTVP